The following is an entry in ClinVar:

ClinVar aggregate classification (germline): Uncertain significance. Review status: criteria provided, single submitter (1 of 4 stars). 2 submissions from 2 submitters: Uncertain significance (1). 1 of the submissions does not count toward it. Last evaluated 2025-10-16.

Conditions:
Wilson disease (WND). Also called: Wilson's disease. Identifiers: Orphanet 905, MedGen C0019202, MONDO:0010200, OMIM 277900. Disease mechanism: loss of function.

Allele frequency attached by ClinVar (database versions not stated): gnomAD exomes below 0.00001 and 0.00001.
gnomAD v4.1: 3 of 1,614,188 alleles (0.00019%); highest among the groups gnomAD compares: Admixed American, 0.0017%; no homozygotes.

Submissions (2):

Color Diagnostics, LLC DBA Color Health
Classification: Uncertain significance for Wilson disease. Last evaluated: 2025-10-16. Review status: criteria provided, single submitter. Criteria: ACMG Guidelines, 2015. Collection method: clinical testing. Allele origin: germline.
Comment: This missense variant replaces leucine with valine at codon 776 of the ATP7B protein. Computational prediction suggests that this variant may have deleterious impact on protein structure and function. Results from functional studies are inconclusive for this variant (PMID: 9837819, 10942420, 26660341). This variant has been reported in an individual affected with Wilson disease (PMID: 7626145). This variant has been identified in 3/1461884 chromosomes in the general population by the Genome Aggregation Database (gnomAD). The available evidence is insufficient to determine the role of this variant in disease conclusively. Therefore, this variant is classified as a Variant of Uncertain Significance.

Counsyl
Classification: Uncertain significance for Wilson disease. Last evaluated: 2017-09-12. Review status: no assertion criteria provided. Collection method: clinical testing. Allele origin: unknown. Not counted in ClinVar's aggregate classification.

Literature cited by the submitters: PubMed 7626145 (cited by Color Diagnostics, LLC DBA Color Health and Counsyl); PubMed 9837819 (cited by Color Diagnostics, LLC DBA Color Health and Counsyl); PubMed 10942420 (cited by Color Diagnostics, LLC DBA Color Health and Counsyl); PubMed 26660341 (cited by Color Diagnostics, LLC DBA Color Health and Counsyl).

NM_000053.4(ATP7B):c.2326C>G (p.Leu776Val)

Gene: ATP7B (ATPase copper transporting beta; minus strand). Cytogenetic location: 13q14.3.
Variant type: single nucleotide variant.
Coding change: c.2326C>G on transcript NM_000053.4 (MANE Select); coding-DNA position 2326, C replaced by G.
Protein change: p.Leu776Val; replaces leucine 776 with valine.
Molecular consequence: missense variant. On other transcripts: intron variant (2).
Genome position (GRCh38, 1-based): chr13:51,958,340, G>C on the plus strand (C>G on the coding strand, the complement: ATP7B is on the minus strand). VCF-style: chr13-51958340-G-C. GRCh37 (hg19) VCF-style: chr13-52532476-G-C.
Other names: c.1993C>G, p.Leu665Val (NM_001243182.2); c.2074C>G, p.Leu692Val (NM_001330579.2); c.1870-733C>G (NM_001005918.3); c.2122-733C>G (NM_001330578.2); short protein forms L776V, L665V, L692V.
Identifiers: ClinVar variation 553691 (VCV000553691.3), dbSNP rs1217463955, ClinGen allele CA388021537.
Genomic context (GRCh38, chr13:51,958,340, plus strand): 5'-AGCTCTTTTCTGAACCTGAAGCTGCTGTTACCTTTGCCAAGTGTTCCAGCCACCGGCCCA[G>C]GGCAATGAACACAAAGAGCATGGGGGGCGTGTCGAAGAATGTCACAGGGCTCCTCTCCGC-3'
Protein context (NP_000044.2, residues 766-786): TPPMLFVFIA[Leu776Val]GRWLEHLAKS